The following is an entry in ClinVar:

NM_080680.3(COL11A2):c.5166G>A (p.Pro1722=)

Gene: COL11A2 (collagen type XI alpha 2 chain; minus strand). Cytogenetic location: 6p21.32.
Variant type: single nucleotide variant.
Coding change: c.5166G>A on transcript NM_080680.3 (MANE Select); coding-DNA position 5166, G replaced by A.
Protein change: p.Pro1722=; no amino-acid change (proline 1722 retained).
Molecular consequence: synonymous variant.
Genome position (GRCh38, 1-based): chr6:33,163,723, C>T on the plus strand (G>A on the coding strand, the complement: COL11A2 is on the minus strand). VCF-style: chr6-33163723-C-T. GRCh37 (hg19) VCF-style: chr6-33131500-C-T.
Other names: c.4845G>A, p.Pro1615= (NM_080679.3); c.4908G>A, p.Pro1636= (NM_080681.3).
Identifiers: ClinVar variation 517576 (VCV000517576.13), dbSNP rs768399249, ClinGen allele CA3749897.

ClinVar aggregate classification (germline): Likely benign. Review status: criteria provided, multiple submitters, no conflicts (2 of 4 stars). 3 submissions from 3 submitters: Likely benign (3). Last evaluated 2025-07-25.

Allele frequency attached by ClinVar (database versions not stated): TOPMed below 0.00001; ExAC 0.00002; gnomAD exomes 0.00002 and 0.00003.

Submissions (3):

Labcorp Genetics (formerly Invitae), Labcorp
Classification: Likely benign. Last evaluated: 2025-07-25. Review status: criteria provided, single submitter. Criteria: Invitae Variant Classification Sherloc (09022015). Collection method: clinical testing. Allele origin: germline.

Blueprint Genetics
Classification: Likely benign. Last evaluated: 2024-09-09. Review status: criteria provided, single submitter. Criteria: ACMG Guidelines, 2015. Collection method: clinical testing. Allele origin: germline.

Laboratory for Molecular Medicine, Mass General Brigham Personalized Medicine
Classification: Likely benign. Last evaluated: 2017-12-21. Review status: criteria provided, single submitter. Criteria: LMM Criteria. Collection method: clinical testing. Allele origin: germline. Observed: 1 variant allele.
Comment: p.Pro1722Pro in exon 66 of COL11A2: This variant is not expected to have clinica l significance because it does not alter an amino acid residue and is not locate d within the splice consensus sequence. It has been identified in 0.03% (9/33474 ) of Latino chromosomes by the Genome Aggregation Database (gnomAD; dbSNP rs768399249). ACMG/AMP criteria applied: BP7.